The following is an entry in ClinVar:

ClinVar aggregate classification (germline): Uncertain significance. Review status: criteria provided, multiple submitters, no conflicts (2 of 4 stars). 2 submissions from 2 submitters: Uncertain significance (2). Last evaluated 2025-01-08.

Allele frequency attached by ClinVar (database versions not stated): gnomAD exomes below 0.00001; ExAC 0.00001; TOPMed 0.00002.
gnomAD v4.1: 3 of 1,614,164 alleles (0.00019%); highest among the groups gnomAD compares: Non-Finnish European, 0.00025%; no homozygotes.

Submissions (2):

Ambry Genetics
Classification: Uncertain significance. Last evaluated: 2025-01-08. Review status: criteria provided, single submitter. Criteria: Ambry Variant Classification Scheme 2023. Collection method: clinical testing. Allele origin: germline.

Labcorp Genetics (formerly Invitae), Labcorp
Classification: Uncertain significance. Last evaluated: 2023-06-27. Review status: criteria provided, single submitter. Criteria: Invitae Variant Classification Sherloc (09022015). Collection method: clinical testing. Allele origin: germline.
Comment: This sequence change replaces valine, which is neutral and non-polar, with leucine, which is neutral and non-polar, at codon 747 of the MYLK3 protein (p.Val747Leu). This variant is present in population databases (rs762435247, gnomAD 0.0009%). This variant has not been reported in the literature in individuals affected with MYLK3-related conditions. An algorithm developed to predict the effect of missense changes on protein structure and function (PolyPhen-2) suggests that this variant is likely to be disruptive. In summary, the available evidence is currently insufficient to determine the role of this variant in disease. Therefore, it has been classified as a Variant of Uncertain Significance.

NM_182493.3(MYLK3):c.2239G>C (p.Val747Leu)

Gene: MYLK3 (myosin light chain kinase 3; minus strand). Cytogenetic location: 16q11.2.
Variant type: single nucleotide variant.
Coding change: c.2239G>C on transcript NM_182493.3 (MANE Select); coding-DNA position 2239, G replaced by C.
Protein change: p.Val747Leu; replaces valine 747 with leucine.
Molecular consequence: missense variant.
Genome position (GRCh38, 1-based): chr16:46,710,665, C>G on the plus strand (G>C on the coding strand, the complement: MYLK3 is on the minus strand). VCF-style: chr16-46710665-C-G. GRCh37 (hg19) VCF-style: chr16-46744577-C-G.
Other names: c.1216G>C, p.Val406Leu (NM_001308301.1); c.2239G>C (NM_182493.2); short protein forms V406L, V747L.
Identifiers: ClinVar variation 2873404 (VCV002873404.4), dbSNP rs762435247, ClinGen allele CA8037647.